The following is an entry in ClinVar:

ClinVar aggregate classification (germline): Pathogenic (1 of 4 stars; one submission).

Submission:

Labcorp Genetics (formerly Invitae), Labcorp
Classification: Pathogenic. Last evaluated: 2022-09-19. Review status: criteria provided, single submitter. Criteria: Invitae Variant Classification Sherloc (09022015). Collection method: clinical testing. Allele origin: germline.
Comment: For these reasons, this variant has been classified as Pathogenic. This variant has not been reported in the literature in individuals affected with ADSSL1-related conditions. This variant is not present in population databases (gnomAD no frequency). This sequence change creates a premature translational stop signal (p.Arg391Serfs*14) in the ADSSL1 gene. It is expected to result in an absent or disrupted protein product. Loss-of-function variants in ADSSL1 are known to be pathogenic (PMID: 26506222).

Literature cited by the submitters: PubMed 26506222.

NM_152328.5(ADSS1):c.1044del (p.Arg348fs)

Gene: ADSS1 (adenylosuccinate synthase 1; plus strand). Cytogenetic location: 14q32.33.
Variant type: Deletion.
Coding change: c.1044del on transcript NM_152328.5 (MANE Select); coding-DNA position 1044, one base deleted (A; older notation c.1044delA).
Protein change: p.Arg348fs; shifts the reading frame from arginine 348.
Molecular consequence: frameshift variant.
Genome position (GRCh38, 1-based): chr14:104,743,162, A deleted. VCF-style (leftmost placement, unchanged base first): chr14-104743161-GA-G. GRCh37 (hg19) VCF-style: chr14-105209498-GA-G.
Other names: c.429del, p.Arg143fs (NM_001320424.1); c.1173del, p.Arg391fs (NM_199165.2); short protein forms R391fs, R348fs, R143fs.
Identifiers: ClinVar variation 2017626 (VCV002017626.4), dbSNP rs2542040039, ClinGen allele CA2580088495.